The following is an entry in ClinVar:

ClinVar aggregate classification (germline): Uncertain significance. Review status: criteria provided, multiple submitters, no conflicts (2 of 4 stars). 7 submissions from 7 submitters: Uncertain significance (6). 1 of the submissions does not count toward it. Last evaluated 2025-04-03.

Conditions:
Inborn genetic diseases. Identifiers: MedGen C0950123, MeSH D030342.
DOCK6-related disorder. Also called: DOCK6-related condition.
Adams-Oliver syndrome 2 (AOS2). Identifiers: Orphanet 974, MedGen C3280182, MONDO:0013635, OMIM 614219.

Allele frequency attached by ClinVar (database versions not stated): gnomAD 0.00014 and 0.00015; gnomAD exomes 0.00018; ExAC 0.00019; TOPMed 0.00019; 1000 Genomes Project 0.00080; 1000 Genomes Project 30x 0.00094.
gnomAD v4.1: 229 of 1,613,764 alleles (0.014%); highest among the groups gnomAD compares: Middle Eastern, 0.16%; 1 homozygote.

Submissions (7):

Ambry Genetics
Classification: Uncertain significance for Inborn genetic diseases. Last evaluated: 2025-04-03. Review status: criteria provided, single submitter. Criteria: Ambry Variant Classification Scheme 2023. Collection method: clinical testing. Allele origin: germline.

Blueprint Genetics
Classification: Uncertain significance. Last evaluated: 2024-11-11. Review status: criteria provided, single submitter. Criteria: ACMG Guidelines, 2015. Collection method: clinical testing. Allele origin: germline.

Labcorp Genetics (formerly Invitae), Labcorp
Classification: Uncertain significance. Last evaluated: 2024-02-01. Review status: criteria provided, single submitter. Criteria: Invitae Variant Classification Sherloc (09022015). Collection method: clinical testing. Allele origin: germline.
Comment: This sequence change replaces serine, which is neutral and polar, with alanine, which is neutral and non-polar, at codon 1406 of the DOCK6 protein (p.Ser1406Ala). This variant is present in population databases (rs34479977, gnomAD 0.08%). This variant has not been reported in the literature in individuals affected with DOCK6-related conditions. ClinVar contains an entry for this variant (Variation ID: 235741). Advanced modeling of protein sequence and biophysical properties (such as structural, functional, and spatial information, amino acid conservation, physicochemical variation, residue mobility, and thermodynamic stability) performed at Invitae indicates that this missense variant is not expected to disrupt DOCK6 protein function with a negative predictive value of 80%. In summary, the available evidence is currently insufficient to determine the role of this variant in disease. Therefore, it has been classified as a Variant of Uncertain Significance.

Baylor Genetics
Classification: Uncertain significance for Adams-Oliver syndrome 2. Last evaluated: 2019-08-27. Review status: criteria provided, single submitter. Criteria: ACMG Guidelines, 2015. Collection method: clinical testing. Allele origin: unknown. Affected: yes.
Comment: This variant was determined to be of uncertain significance according to ACMG Guidelines, 2015 [PMID:25741868].

Center for Pediatric Genomic Medicine, Children's Mercy Hospital and Clinics
Classification: Uncertain significance. Last evaluated: 2016-04-25. Review status: criteria provided, single submitter. Criteria: ACMG Guidelines, 2015. Collection method: clinical testing. Allele origin: germline.
ClinVar note: Converted during submission from Uncertain Significance to Uncertain significance.

Breakthrough Genomics
Classification: Uncertain significance. Review status: criteria provided, single submitter. Criteria: ACMG Guidelines, 2015. Collection method: not provided. Allele origin: germline. Inheritance: Autosomal recessive inheritance. Affected: yes.

PreventionGenetics, part of Exact Sciences
Classification: Uncertain significance for DOCK6-related condition. Last evaluated: 2024-01-04. Review status: no assertion criteria provided. Collection method: clinical testing. Allele origin: germline. Not counted in ClinVar's aggregate classification.
Comment: The DOCK6 c.4216T>G variant is predicted to result in the amino acid substitution p.Ser1406Ala. To our knowledge, this variant has not been reported in the literature in individuals with DOCK6-related disorders. This variant is reported in 0.073% of alleles in individuals of Latino descent in gnomAD. Although we suspect that this variant may be benign, at this time, the clinical significance of this variant is uncertain due to the absence of conclusive functional and genetic evidence.

NM_020812.4(DOCK6):c.4216T>G (p.Ser1406Ala)

Genes: DOCK6 (dedicator of cytokinesis 6; minus strand), DOCK6-AS1 (DOCK6 antisense RNA 1; plus strand). Cytogenetic location: 19p13.2.
Variant type: single nucleotide variant.
Coding change: c.4216T>G on transcript NM_020812.4 (MANE Select); coding-DNA position 4216, T replaced by G.
Protein change: p.Ser1406Ala; replaces serine 1406 with alanine.
Molecular consequence: missense variant.
Genome position (GRCh38, 1-based): chr19:11,214,397, A>C on the plus strand (T>G on the coding strand, the complement: DOCK6 is on the minus strand). VCF-style: chr19-11214397-A-C. GRCh37 (hg19) VCF-style: chr19-11325073-A-C.
Other names: c.4321T>G, p.Ser1441Ala (NM_001367830.1); c.4216T>G (NM_020812.2); short protein forms S1406A, S1441A.
Identifiers: ClinVar variation 235741 (VCV000235741.12), dbSNP rs34479977, ClinGen allele CA9206925.